The following is an entry in ClinVar:

ClinVar aggregate classification (germline): Uncertain significance (1 of 4 stars; one submission).

Conditions:
Weill-Marchesani syndrome 1 (WMS1). Also called: ADAMTS10-Related Weill-Marchesani Syndrome; Weill-Marchesani Syndrome, Autosomal Recessive; Weill-Marchesani syndrome 1, recessive. Identifiers: Orphanet 3449, MedGen C4552002, MONDO:0010194, OMIM 277600.

Submission:

Center for Genomics, Ann and Robert H. Lurie Children's Hospital of Chicago
Classification: Uncertain significance for Weill-Marchesani syndrome 1. Last evaluated: 2021-03-30. Review status: criteria provided, single submitter. Criteria: ACMG Guidelines, 2015. Collection method: clinical testing. Allele origin: germline.
Comment: ADAMTS10 NM_030957.3 exon 6 p.Pro214Arg (c.641C>G): This variant has not been reported in the literature and is not present in large control databases. Evolutionary conservation and computational predictive tools for this variant are unclear. In summary, data on this variant is insufficient for disease classification. Therefore, the clinical significance of this variant is uncertain.

NM_030957.4(ADAMTS10):c.641C>G (p.Pro214Arg)

Gene: ADAMTS10 (ADAM metallopeptidase with thrombospondin type 1 motif 10; minus strand). Cytogenetic location: 19p13.2.
Variant type: single nucleotide variant.
Coding change: c.641C>G on transcript NM_030957.4 (MANE Select); coding-DNA position 641, C replaced by G.
Protein change: p.Pro214Arg; replaces proline 214 with arginine.
Molecular consequence: missense variant.
Genome position (GRCh38, 1-based): chr19:8,601,097, G>C on the plus strand (C>G on the coding strand, the complement: ADAMTS10 is on the minus strand). VCF-style: chr19-8601097-G-C. GRCh37 (hg19) VCF-style: chr19-8665981-G-C.
Other names: short protein forms P214R.
Identifiers: ClinVar variation 625881 (VCV000625881.2), dbSNP rs1555741490, ClinGen allele CA403756781.